The following is an entry in ClinVar:

ClinVar aggregate classification (germline): Uncertain significance. Review status: criteria provided, multiple submitters, no conflicts (2 of 4 stars). 3 submissions from 3 submitters: Uncertain significance (3). Last evaluated 2025-11-27.

Conditions:
Familial cancer of breast. Also called: BREAST CANCER, FAMILIAL; Hereditary breast cancer; hereditary breast carcinoma. Identifiers: Orphanet 227535, MedGen C0346153, MONDO:0016419, OMIM 114480. Disease mechanism: loss of function.
Hereditary cancer-predisposing syndrome. Also called: Neoplastic Syndromes, Hereditary; Tumor predisposition; Hereditary neoplastic syndrome; Hereditary Cancer Syndrome. Identifiers: Orphanet 140162, MedGen C0027672, MeSH D009386, MONDO:0015356.

Submissions (3):

Labcorp Genetics (formerly Invitae), Labcorp
Classification: Uncertain significance for Familial cancer of breast. Last evaluated: 2025-11-27. Review status: criteria provided, single submitter. Criteria: Invitae Variant Classification Sherloc (09022015). Collection method: clinical testing. Allele origin: germline.
Comment: This sequence change replaces proline, which is neutral and non-polar, with alanine, which is neutral and non-polar, at codon 210 of the PALB2 protein (p.Pro210Ala). This variant is not present in population databases (gnomAD no frequency). This variant has not been reported in the literature in individuals affected with PALB2-related conditions. ClinVar contains an entry for this variant (Variation ID: 826297). An algorithm developed to predict the effect of missense changes on protein structure and function outputs the following: PolyPhen-2: "Benign". The alanine amino acid residue is found in multiple mammalian species, which suggests that this missense change does not adversely affect protein function. In summary, the available evidence is currently insufficient to determine the role of this variant in disease. Therefore, it has been classified as a Variant of Uncertain Significance.

Ambry Genetics
Classification: Uncertain significance for Hereditary cancer-predisposing syndrome. Last evaluated: 2025-10-03. Review status: criteria provided, single submitter. Criteria: Ambry Variant Classification Scheme 2023. Collection method: clinical testing. Allele origin: germline.
Comment: The p.P210A variant (also known as c.628C>G), located in coding exon 4 of the PALB2 gene, results from a C to G substitution at nucleotide position 628. The proline at codon 210 is replaced by alanine, an amino acid with highly similar properties. This amino acid position is not well conserved in available vertebrate species. In addition, this alteration is predicted to be tolerated by in silico analysis. Since supporting evidence is limited at this time, the clinical significance of this alteration remains unclear.

Color Diagnostics, LLC DBA Color Health
Classification: Uncertain significance for Hereditary cancer-predisposing syndrome. Last evaluated: 2023-03-01. Review status: criteria provided, single submitter. Criteria: ACMG Guidelines, 2015. Collection method: clinical testing. Allele origin: germline.
Comment: This missense variant replaces proline with alanine at codon 210 of the PALB2 protein. Computational prediction suggests that this variant may not impact protein structure and function (internally defined REVEL score threshold <= 0.5, PMID: 27666373). To our knowledge, functional studies have not been reported for this variant. This variant has not been reported in individuals affected with PALB2-related disorders in the literature. This variant has not been identified in the general population by the Genome Aggregation Database (gnomAD). The available evidence is insufficient to determine the role of this variant in disease conclusively. Therefore, this variant is classified as a Variant of Uncertain Significance.

NM_024675.4(PALB2):c.628C>G (p.Pro210Ala)

Gene: PALB2 (partner and localizer of BRCA2; minus strand). Cytogenetic location: 16p12.2.
Variant type: single nucleotide variant.
Coding change: c.628C>G on transcript NM_024675.4 (MANE Select); coding-DNA position 628, C replaced by G.
Protein change: p.Pro210Ala; replaces proline 210 with alanine.
Molecular consequence: missense variant.
Genome position (GRCh38, 1-based): chr16:23,635,918, G>C on the plus strand (C>G on the coding strand, the complement: PALB2 is on the minus strand). VCF-style: chr16-23635918-G-C. GRCh37 (hg19) VCF-style: chr16-23647239-G-C.
Other names: short protein forms P210A.
Identifiers: ClinVar variation 826297 (VCV000826297.14), dbSNP rs878976819, ClinGen allele CA395136589.